The following is an entry in ClinVar:

NM_173598.6(KSR2):c.344G>A (p.Ser115Asn)

Gene: KSR2 (kinase suppressor of ras 2; minus strand). Cytogenetic location: 12q24.23.
Variant type: single nucleotide variant.
Coding change: c.344G>A on transcript NM_173598.6 (MANE Select); coding-DNA position 344, G replaced by A.
Protein change: p.Ser115Asn; replaces serine 115 with asparagine.
Molecular consequence: missense variant.
Genome position (GRCh38, 1-based): chr12:117,855,556, C>T on the plus strand (G>A on the coding strand, the complement: KSR2 is on the minus strand). VCF-style: chr12-117855556-C-T. GRCh37 (hg19) VCF-style: chr12-118293361-C-T.
Other names: short protein forms S115N.
Identifiers: ClinVar variation 3351991 (VCV003351991.1).

ClinVar aggregate classification (germline): Uncertain significance (0 of 4 stars; one submission).

Conditions:
KSR2-related disorder. Also called: KSR2-related condition.

gnomAD v4.1: 1 of 1,614,036 alleles (0.000062%); highest among the groups gnomAD compares: Non-Finnish European, 0.000085%; no homozygotes.

Submission:

PreventionGenetics, part of Exact Sciences
Classification: Uncertain significance for KSR2-related condition. Last evaluated: 2024-05-27. Review status: no assertion criteria provided. Collection method: clinical testing. Allele origin: germline.
Comment: The KSR2 c.257G>A variant is predicted to result in the amino acid substitution p.Ser86Asn. To our knowledge, this variant has not been reported in the literature. This variant is reported in 0.00089% of alleles in individuals of European (Non-Finnish) descent in gnomAD. At this time, the clinical significance of this variant is uncertain due to the absence of conclusive functional and genetic evidence.